The following is an entry in ClinVar:

NM_001365951.3(KIF1B):c.5186A>G (p.Tyr1729Cys)

Gene: KIF1B (kinesin family member 1B; plus strand). Cytogenetic location: 1p36.22.
Variant type: single nucleotide variant.
Coding change: c.5186A>G on transcript NM_001365951.3 (MANE Select); coding-DNA position 5186, A replaced by G.
Protein change: p.Tyr1729Cys; replaces tyrosine 1729 with cysteine.
Molecular consequence: missense variant.
Genome position (GRCh38, 1-based): chr1:10,374,943, A>G. VCF-style: chr1-10374943-A-G. GRCh37 (hg19) VCF-style: chr1-10435001-A-G.
Other names: c.5186A>G, p.Tyr1729Cys (NM_001365952.1); c.5048A>G, p.Tyr1683Cys (NM_015074.3); short protein forms Y1683C, Y1729C.
Identifiers: ClinVar variation 5023231 (VCV005023231.1).

ClinVar aggregate classification (germline): Uncertain significance (1 of 4 stars; one submission).

gnomAD v4.1: 1 of 1,614,126 alleles (0.000062%); highest among the groups gnomAD compares: Non-Finnish European, 0.000085%; no homozygotes.

Submission:

Ambry Genetics
Classification: Uncertain significance. Last evaluated: 2026-09-01. Review status: criteria provided, single submitter. Criteria: Ambry Variant Classification Scheme 2023. Collection method: clinical testing. Allele origin: germline.
Comment: The p.Y1683C variant (also known as c.5048A>G), located in coding exon 44 of the KIF1B gene, results from an A to G substitution at nucleotide position 5048. The tyrosine at codon 1683 is replaced by cysteine, an amino acid with highly dissimilar properties. This amino acid position is conserved. In addition, this alteration is predicted to be deleterious by in silico analysis. Based on the available evidence, the clinical significance of this variant remains unclear.